The following is an entry in ClinVar:

ClinVar aggregate classification (germline): Uncertain significance (1 of 4 stars; one submission).

Conditions:
Hereditary cancer-predisposing syndrome. Also called: Neoplastic Syndromes, Hereditary; Tumor predisposition; Hereditary Cancer Syndrome; Hereditary neoplastic syndrome. Identifiers: Orphanet 140162, MedGen C0027672, MeSH D009386, MONDO:0015356.

gnomAD v4.1: 1 of 1,613,986 alleles (0.000062%); highest among the groups gnomAD compares: Admixed American, 0.0017%; no homozygotes.

Submission:

Ambry Genetics
Classification: Uncertain significance for Hereditary cancer-predisposing syndrome. Last evaluated: 2016-11-29. Review status: criteria provided, single submitter. Criteria: Ambry Variant Classification Scheme 2023. Collection method: clinical testing. Allele origin: germline.
Comment: The p.R483L variant (also known as c.1448G>T), located in coding exon 12 of the MRE11A gene, results from a G to T substitution at nucleotide position 1448. The arginine at codon 483 is replaced by leucine, an amino acid with dissimilar properties. This amino acid position is well conserved in available vertebrate species. In addition, the in silico prediction for this alteration is inconclusive. Since supporting evidence is limited at this time, the clinical significance of this alteration remains unclear.

NM_005591.4(MRE11):c.1448G>T (p.Arg483Leu)

Gene: MRE11 (MRE11 double strand break repair nuclease; minus strand). Cytogenetic location: 11q21.
Variant type: single nucleotide variant.
Coding change: c.1448G>T on transcript NM_005591.4 (MANE Select); coding-DNA position 1448, G replaced by T.
Protein change: p.Arg483Leu; replaces arginine 483 with leucine.
Molecular consequence: missense variant.
Genome position (GRCh38, 1-based): chr11:94,459,460, C>A on the plus strand (G>T on the coding strand, the complement: MRE11 is on the minus strand). VCF-style: chr11-94459460-C-A. GRCh37 (hg19) VCF-style: chr11-94192626-C-A.
Other names: c.1448G>T, p.Arg483Leu (NM_001330347.2, NM_005590.4); short protein forms R483L.
Identifiers: ClinVar variation 483637 (VCV000483637.5), dbSNP rs587781378, ClinGen allele CA382371788.